The following is an entry in ClinVar:

ClinVar aggregate classification (germline): Likely pathogenic (1 of 4 stars; one submission).

Conditions:
Metachromatic leukodystrophy (MLD). Also called: Cerebral sclerosis diffuse metachromatic form; Arylsulfatase A Deficiency; ARSA DEFICIENCY; CEREBROSIDE SULFATASE DEFICIENCY; METACHROMATIC LEUKOENCEPHALOPATHY; SULFATIDE LIPIDOSIS. Identifiers: Orphanet 512, MedGen C0023522, MONDO:0018868, OMIM 250100.

Submission:

Natera, Inc.
Classification: Likely pathogenic for Metachromatic leukodystrophy. Last evaluated: 2025-07-16. Review status: criteria provided, single submitter. Criteria: Natera Variant Classification Schema (03/2026). Collection method: clinical testing. Allele origin: germline.
Comment: The c.174+2T>C variant in PSAP is a canonical splice donor site variant predicted to affect pre-mRNA splicing, which may result in an abnormal transcript and altered protein product. This variant is expected to result in nonsense mediated decay, truncation, or a dysfunctional protein product. This variant is rare in the general population with a frequency below the threshold expected for the associated phenotype(s). Given the available evidence, this variant is classified as Likely Pathogenic.

NM_002778.4(PSAP):c.174+2T>C

Gene: PSAP (prosaposin; minus strand). Cytogenetic location: 10q22.1.
Variant type: single nucleotide variant.
Coding change: c.174+2T>C on transcript NM_002778.4 (MANE Select); the canonical splice donor site of the intron after coding-DNA position 174, T replaced by C.
Molecular consequence: splice donor variant.
Genome position (GRCh38, 1-based): chr10:71,834,370, A>G on the plus strand (T>C on the coding strand, the complement: PSAP is on the minus strand). VCF-style: chr10-71834370-A-G. GRCh37 (hg19) VCF-style: chr10-73594127-A-G.
Other names: c.174+2T>C (NM_001042466.3, NM_001042465.3).
Identifiers: ClinVar variation 4815079 (VCV004815079.1).